The following is an entry in ClinVar:

ClinVar aggregate classification (germline): Likely benign (1 of 4 stars; one submission).

Allele frequency attached by ClinVar (database versions not stated): gnomAD exomes 0.00061; gnomAD 0.00821; TOPMed 0.00890; 1000 Genomes Project 0.01118; 1000 Genomes Project 30x 0.01140.
gnomAD v4.1: 1,714 of 924,064 alleles (0.19%); highest among the groups gnomAD compares: African/African-American, 2.9%; 27 homozygotes.

Submission:

GeneDx
Classification: Likely benign. Last evaluated: 2019-03-01. Review status: criteria provided, single submitter. Criteria: GeneDx Variant Classification Process June 2021. Collection method: clinical testing. Allele origin: germline. Affected: yes.
Comment: See Variant Classification Assertion Criteria.

NM_022081.6(HPS4):c.42-397G>A

Gene: HPS4 (HPS4 biogenesis of lysosomal organelles complex 3 subunit 2; minus strand). Cytogenetic location: 22q12.1.
Variant type: single nucleotide variant.
Coding change: c.42-397G>A on transcript NM_022081.6 (MANE Select); 397 bases into the intron before coding-DNA position 42, G replaced by A.
Molecular consequence: intron variant.
Genome position (GRCh38, 1-based): chr22:26,479,752, C>T on the plus strand (G>A on the coding strand, the complement: HPS4 is on the minus strand). VCF-style: chr22-26479752-C-T. GRCh37 (hg19) VCF-style: chr22-26875718-C-T.
Other names: c.42-397G>A (NM_001349905.1, NM_001349904.2, NM_001349902.1 and 6 more transcripts).
Identifiers: ClinVar variation 1706751 (VCV001706751.2), dbSNP rs115242747, ClinGen allele CA322857713.